The following is an entry in ClinVar:

ClinVar aggregate classification (germline): Conflicting classifications of pathogenicity. Review status: criteria provided, conflicting classifications (1 of 4 stars). 3 submissions from 3 submitters: Uncertain significance (2); Benign (1). Last evaluated 2024-05-13.

Conditions:
Neuropathy, hereditary sensory, type 2C. Also called: Hereditary sensory and autonomic neuropathy type IIC; KIF1A-Related HSAN2 (HSAN2C). Identifiers: Orphanet 970, MedGen C3280168, MONDO:0013634, OMIM 614213.
Intellectual disability, autosomal dominant 9 (NESCAVS). Also called: KIF1A-Related Neurodevelopmental Disorder; NESCAV SYNDROME. Identifiers: Orphanet 662367, MedGen C5393830, MONDO:0013656, OMIM 614255.
Hereditary spastic paraplegia 30. Identifiers: Orphanet 101010, MedGen C5235139, MONDO:0012476.

Allele frequency attached by ClinVar (database versions not stated): ESP Exome Variant Server 0.00008.
gnomAD v4.1: 21 of 1,610,530 alleles (0.0013%); highest among the groups gnomAD compares: African/African-American, 0.013%; no homozygotes.

Submissions (3):

Labcorp Genetics (formerly Invitae), Labcorp
Classification: Benign for Hereditary spastic paraplegia 30; Neuropathy, hereditary sensory, type 2C; Intellectual disability, autosomal dominant 9. Last evaluated: 2024-05-13. Review status: criteria provided, single submitter. Criteria: Invitae Variant Classification Sherloc (09022015). Collection method: clinical testing. Allele origin: germline.

GeneDx
Classification: Uncertain significance. Last evaluated: 2023-11-02. Review status: criteria provided, single submitter. Criteria: GeneDx Variant Classification Process June 2021. Collection method: clinical testing. Allele origin: germline. Affected: yes.
Comment: In silico analysis supports that this missense variant has a deleterious effect on protein structure/function; Has not been previously published as pathogenic or benign to our knowledge

Blueprint Genetics
Classification: Uncertain significance. Last evaluated: 2023-02-23. Review status: criteria provided, single submitter. Criteria: ACMG Guidelines, 2015. Collection method: clinical testing. Allele origin: germline.

NM_001244008.2(KIF1A):c.4888C>T (p.Arg1630Trp)

Gene: KIF1A (kinesin family member 1A; minus strand). Cytogenetic location: 2q37.3.
Variant type: single nucleotide variant.
Coding change: c.4888C>T on transcript NM_001244008.2 (MANE Select); coding-DNA position 4888, C replaced by T.
Protein change: p.Arg1630Trp; replaces arginine 1630 with tryptophan.
Molecular consequence: missense variant.
Genome position (GRCh38, 1-based): chr2:240,719,907, G>A on the plus strand (C>T on the coding strand, the complement: KIF1A is on the minus strand). VCF-style: chr2-240719907-G-A. GRCh37 (hg19) VCF-style: chr2-241659324-G-A.
Other names: c.4612C>T, p.Arg1538Trp (NM_001320705.2, NM_001379649.1); c.4639C>T, p.Arg1547Trp (NM_001330289.2); c.4687C>T, p.Arg1563Trp (NM_001330290.2, NM_001379648.1); c.4963C>T, p.Arg1655Trp (NM_001379631.1); c.4864C>T, p.Arg1622Trp (NM_001379632.1); c.4861C>T, p.Arg1621Trp (NM_001379633.1, NM_001379645.1); c.4714C>T, p.Arg1572Trp (NM_001379634.1); c.4711C>T, p.Arg1571Trp (NM_001379635.1, NM_001379646.1); and 7 more; short protein forms R1571W, R1572W, R1621W, R1622W, R1630W, R1655W, R1528W, R1529W.
Identifiers: ClinVar variation 1303766 (VCV001303766.10), dbSNP rs202072706, ClinGen allele CA2207255.